The following is an entry in ClinVar:

ClinVar aggregate classification (germline): Benign. Review status: criteria provided, multiple submitters, no conflicts (2 of 4 stars). 3 submissions from 3 submitters: Benign (2). 1 of the submissions does not count toward it. Last evaluated 2019-12-31.

Conditions:
BIRC6-related disorder. Also called: BIRC6-related condition.

Allele frequency attached by ClinVar (database versions not stated): ESP Exome Variant Server 0.00292; TOPMed 0.00295; gnomAD 0.00330 and 0.00348; gnomAD exomes 0.00354 and 0.00465; ExAC 0.00639.
gnomAD v4.1: 7,158 of 1,606,092 alleles (0.45%); highest among the groups gnomAD compares: Non-Finnish European, 0.56%; 34 homozygotes.

Submissions (3):

Labcorp Genetics (formerly Invitae), Labcorp
Classification: Benign. Last evaluated: 2019-12-31. Review status: criteria provided, single submitter. Criteria: Invitae Variant Classification Sherloc (09022015). Collection method: clinical testing. Allele origin: germline.

Breakthrough Genomics
Classification: Benign. Review status: criteria provided, single submitter. Criteria: ACMG Guidelines, 2015. Collection method: not provided. Allele origin: germline. Inheritance: Unknown mechanism. Affected: yes.

PreventionGenetics, part of Exact Sciences
Classification: Likely benign for BIRC6-related condition. Last evaluated: 2019-08-30. Review status: no assertion criteria provided. Collection method: clinical testing. Allele origin: germline. Not counted in ClinVar's aggregate classification.
Comment: This variant is classified as likely benign based on ACMG/AMP sequence variant interpretation guidelines (Richards et al. 2015 PMID: 25741868, with internal and published modifications).

NM_016252.4(BIRC6):c.4311A>G (p.Ser1437=)

Gene: BIRC6 (baculoviral IAP repeat containing 6; plus strand). Cytogenetic location: 2p22.3.
Variant type: single nucleotide variant.
Coding change: c.4311A>G on transcript NM_016252.4 (MANE Select); coding-DNA position 4311, A replaced by G.
Protein change: p.Ser1437=; no amino-acid change (serine 1437 retained).
Molecular consequence: synonymous variant.
Genome position (GRCh38, 1-based): chr2:32,443,563, A>G. VCF-style: chr2-32443563-A-G. GRCh37 (hg19) VCF-style: chr2-32668631-A-G.
Other names: c.4269A>G, p.Ser1423= (NM_001378125.1).
Identifiers: ClinVar variation 722617 (VCV000722617.7), dbSNP rs61754194, ClinGen allele CA1603339.